The following is an entry in ClinVar:

ClinVar aggregate classification (germline): Uncertain significance (1 of 4 stars; one submission).

Conditions:
Autosomal dominant childhood-onset proximal spinal muscular atrophy with contractures (SMALED2A). Also called: Spinal muscular atrophy, lower extremity-predominant, 2A, autosomal dominant; SPINAL MUSCULAR ATROPHY, LOWER EXTREMITY-PREDOMINANT, 2A, CHILDHOOD ONSET, AUTOSOMAL DOMINANT. Identifiers: Orphanet 363447, Orphanet 363454, MedGen C4747715, MONDO:0014121, OMIM 615290.

gnomAD v4.1: 30 of 1,614,198 alleles (0.0019%); highest among the groups gnomAD compares: East Asian, 0.067%; no homozygotes.

Submission:

Labcorp Genetics (formerly Invitae), Labcorp
Classification: Uncertain significance for Autosomal dominant childhood-onset proximal spinal muscular atrophy with contractures. Last evaluated: 2024-09-29. Review status: criteria provided, single submitter. Criteria: Invitae Variant Classification Sherloc (09022015). Collection method: clinical testing. Allele origin: germline.
Comment: This sequence change replaces glutamine, which is neutral and polar, with histidine, which is basic and polar, at codon 253 of the BICD2 protein (p.Gln253His). This variant is present in population databases (rs761087136, gnomAD 0.02%). This variant has not been reported in the literature in individuals affected with BICD2-related conditions. Invitae Evidence Modeling of protein sequence and biophysical properties (such as structural, functional, and spatial information, amino acid conservation, physicochemical variation, residue mobility, and thermodynamic stability) indicates that this missense variant is expected to disrupt BICD2 protein function with a positive predictive value of 80%. In summary, the available evidence is currently insufficient to determine the role of this variant in disease. Therefore, it has been classified as a Variant of Uncertain Significance.

NM_001003800.2(BICD2):c.759G>C (p.Gln253His)

Gene: BICD2 (BICD cargo adaptor 2; minus strand). Cytogenetic location: 9q22.31.
Variant type: single nucleotide variant.
Coding change: c.759G>C on transcript NM_001003800.2 (MANE Select); coding-DNA position 759, G replaced by C.
Protein change: p.Gln253His; replaces glutamine 253 with histidine.
Molecular consequence: missense variant.
Genome position (GRCh38, 1-based): chr9:92,720,603, C>G on the plus strand (G>C on the coding strand, the complement: BICD2 is on the minus strand). VCF-style: chr9-92720603-C-G. GRCh37 (hg19) VCF-style: chr9-95482885-C-G.
Other names: c.759G>C, p.Gln253His (NM_015250.4); short protein forms Q253H.
Identifiers: ClinVar variation 3730243 (VCV003730243.2).